The following is an entry in ClinVar:

ClinVar aggregate classification (germline): Benign. Review status: criteria provided, multiple submitters, no conflicts (2 of 4 stars). 3 submissions from 3 submitters: Benign (3). Last evaluated 2023-11-12.

Allele frequency attached by ClinVar (database versions not stated): 1000 Genomes Project 0.50539; 1000 Genomes Project 30x 0.50999; TOPMed 0.59219; gnomAD exomes 0.59309; gnomAD 0.60025 and 0.61019.
gnomAD v4.1: 696,873 of 1,172,390 alleles (59%); highest among the groups gnomAD compares: Middle Eastern, 64%; 210,715 homozygotes.

Submissions (3):

Unidad de Genómica Garrahan, Hospital de Pediatría Garrahan
Classification: Benign. Last evaluated: 2023-11-12. Review status: criteria provided, single submitter. Criteria: ACMG Guidelines, 2015. Collection method: clinical testing. Allele origin: germline. Affected: no. Observed: 67 variant alleles.
Comment: This variant is classified as Benign based on local population frequency. This variant was detected in 70% of patients studied by a panel of primary immunodeficiencies. Number of patients: 67. Only high quality variants are reported.

GeneDx
Classification: Benign. Last evaluated: 2021-06-19. Review status: criteria provided, single submitter. Criteria: GeneDx Variant Classification Process June 2021. Collection method: clinical testing. Allele origin: germline. Affected: yes.

Breakthrough Genomics
Classification: Benign. Review status: criteria provided, single submitter. Criteria: ACMG Guidelines, 2015. Collection method: not provided. Allele origin: germline. Inheritance: Autosomal recessive inheritance. Affected: yes.

NM_018344.6(SLC29A3):c.774-120A>C

Gene: SLC29A3 (solute carrier family 29 member 3; plus strand). Cytogenetic location: 10q22.1.
Variant type: single nucleotide variant.
Coding change: c.774-120A>C on transcript NM_018344.6 (MANE Select); 120 bases into the intron before coding-DNA position 774, A replaced by C.
Molecular consequence: intron variant.
Genome position (GRCh38, 1-based): chr10:71,361,834, A>C. VCF-style: chr10-71361834-A-C. GRCh37 (hg19) VCF-style: chr10-73121591-A-C.
Other names: c.540-120A>C (NM_001363518.2); c.*3-120A>C (NM_001174098.2).
Identifiers: ClinVar variation 1238668 (VCV001238668.6), dbSNP rs2487066, ClinGen allele CA13159179.